The following is an entry in ClinVar:

ClinVar aggregate classification (germline): Uncertain significance. Review status: criteria provided, multiple submitters, no conflicts (2 of 4 stars). 2 submissions from 2 submitters: Uncertain significance (2). Last evaluated 2024-11-06.

Conditions:
Inborn genetic diseases. Identifiers: MedGen C0950123, MeSH D030342.
Pontocerebellar hypoplasia type 1A (PCH1A). Also called: PONTOCEREBELLAR HYPOPLASIA WITH ANTERIOR HORN CELL DISEASE; PONTOCEREBELLAR HYPOPLASIA WITH INFANTILE SPINAL MUSCULAR ATROPHY. Identifiers: Orphanet 2254, Orphanet 88616, MedGen C1843504, MONDO:0011866, OMIM 607596.

Allele frequency attached by ClinVar (database versions not stated): gnomAD exomes below 0.00001; TOPMed below 0.00001; gnomAD 0.00001.
gnomAD v4.1: 6 of 1,613,520 alleles (0.00037%); highest among the groups gnomAD compares: Non-Finnish European, 0.00051%; no homozygotes.

Submissions (2):

Ambry Genetics
Classification: Uncertain significance for Inborn genetic diseases. Last evaluated: 2024-11-06. Review status: criteria provided, single submitter. Criteria: Ambry Variant Classification Scheme 2023. Collection method: clinical testing. Allele origin: germline.
Comment: The c.733G>C (p.E245Q) alteration is located in exon 9 (coding exon 8) of the VRK1 gene. This alteration results from a G to C substitution at nucleotide position 733, causing the glutamic acid (E) at amino acid position 245 to be replaced by a glutamine (Q). Based on data from gnomAD, the C allele has an overall frequency of <0.001% (1/251328) total alleles studied. The highest observed frequency was 0.001% (1/113630) of European (non-Finnish) alleles. This amino acid position is well conserved in available vertebrate species. The in silico prediction for this alteration is inconclusive. Based on insufficient or conflicting evidence, the clinical significance of this alteration remains unclear.

Labcorp Genetics (formerly Invitae), Labcorp
Classification: Uncertain significance for Pontocerebellar hypoplasia type 1A. Last evaluated: 2022-06-09. Review status: criteria provided, single submitter. Criteria: Invitae Variant Classification Sherloc (09022015). Collection method: clinical testing. Allele origin: germline.
Comment: This sequence change replaces glutamic acid, which is acidic and polar, with glutamine, which is neutral and polar, at codon 245 of the VRK1 protein (p.Glu245Gln). This variant is present in population databases (no rsID available, gnomAD 0.0009%). This variant has not been reported in the literature in individuals affected with VRK1-related conditions. Algorithms developed to predict the effect of missense changes on protein structure and function are either unavailable or do not agree on the potential impact of this missense change (SIFT: "Deleterious"; PolyPhen-2: "Probably Damaging"; Align-GVGD: "Class C0"). In summary, the available evidence is currently insufficient to determine the role of this variant in disease. Therefore, it has been classified as a Variant of Uncertain Significance.

NM_003384.3(VRK1):c.733G>C (p.Glu245Gln)

Gene: VRK1 (VRK serine/threonine kinase 1; plus strand). Cytogenetic location: 14q32.2.
Variant type: single nucleotide variant.
Coding change: c.733G>C on transcript NM_003384.3 (MANE Select); coding-DNA position 733, G replaced by C.
Protein change: p.Glu245Gln; replaces glutamic acid 245 with glutamine.
Molecular consequence: missense variant.
Genome position (GRCh38, 1-based): chr14:96,856,153, G>C. VCF-style: chr14-96856153-G-C. GRCh37 (hg19) VCF-style: chr14-97322490-G-C.
Other names: c.733G>C (NM_003384.2); short protein forms E245Q.
Identifiers: ClinVar variation 1509160 (VCV001509160.8), dbSNP rs1200170208, ClinGen allele CA390931403.